The following is an entry in ClinVar:

ClinVar aggregate classification (germline): Likely pathogenic (1 of 4 stars; one submission).

Conditions:
Anauxetic dysplasia. Identifiers: Orphanet 93347, MedGen C1846796, MONDO:0011773.

Submission:

Labcorp Genetics (formerly Invitae), Labcorp
Classification: Likely pathogenic for Anauxetic dysplasia. Last evaluated: 2019-04-06. Review status: criteria provided, single submitter. Criteria: Invitae Variant Classification Sherloc (09022015). Collection method: clinical testing. Allele origin: germline.
Comment: In summary, the currently available evidence indicates that the variant is pathogenic, but additional data are needed to prove that conclusively. Therefore, this variant has been classified as Likely Pathogenic. While functional studies for this variant have not been reported, experimental analyses using patient derived cells, as well as in vitro transfection studies, have shown that promoter insertions result in silencing of RMRP transcription and reduced expression of the gene product (PMID: 11207361, 16254002). While this particular variant has not been reported in the literature, it is located in the promoter region between the TATA box and the transcription initiation site, and other similar insertions and duplications immediately upstream of the coding sequence have been reported in individuals affected with cartilage-hair hypoplasia (PMID: 11207361, 16244706, 21570718) The frequency data for this variant in the population databases is considered unreliable, as metrics indicate insufficient coverage at this position in the ExAC database. This sequence change occurs in the RMRP gene, which encodes the RNA component of the RNase mitochondrial RNA processing (MRP) complex and does not result in a protein product.

Literature cited by the submitters: PubMed 11207361; PubMed 16254002; PubMed 16244706; PubMed 21570718.

NC_000009.12:g.35658027_35658040dup

Gene: RMRP (RNA component of mitochondrial RNA processing endoribonuclease; minus strand). Cytogenetic location: 9p13.3.
Variant type: Duplication.
Genome position: GRCh38 VCF-style: chr9-35658026-C-CAGCTTCACAGAGTA. GRCh37 (hg19) VCF-style: chr9-35658023-C-CAGCTTCACAGAGTA.
Identifiers: ClinVar variation 952800 (VCV000952800.9), dbSNP rs1823641711, ClinGen allele CA1139660938.